The following is an entry in ClinVar:

NM_003999.3(OSMR):c.2420T>C (p.Ile807Thr)

Gene: OSMR (oncostatin M receptor; plus strand). Cytogenetic location: 5p13.1.
Variant type: single nucleotide variant.
Coding change: c.2420T>C on transcript NM_003999.3 (MANE Select); coding-DNA position 2420, T replaced by C.
Protein change: p.Ile807Thr; replaces isoleucine 807 with threonine.
Molecular consequence: missense variant.
Genome position (GRCh38, 1-based): chr5:38,932,924, T>C. VCF-style: chr5-38932924-T-C. GRCh37 (hg19) VCF-style: chr5-38933026-T-C.
Other names: c.2420T>C, p.Ile807Thr (NM_001323505.2); c.2423T>C, p.Ile808Thr (NM_001323506.2); short protein forms I807T, I808T.
Identifiers: ClinVar variation 2634333 (VCV002634333.2), dbSNP rs375673847, ClinGen allele CA3244376.

ClinVar aggregate classification (germline): Uncertain significance. Review status: criteria provided, multiple submitters, no conflicts (2 of 4 stars). 2 submissions from 2 submitters: Uncertain significance (2). Last evaluated 2025-09-01.

Conditions:
OSMR-related disorder. Also called: OSMR-related condition.
Inborn genetic diseases. Identifiers: MedGen C0950123, MeSH D030342.

Allele frequency attached by ClinVar (database versions not stated): ExAC 0.00007; ESP Exome Variant Server 0.00008; gnomAD exomes 0.00010; TOPMed 0.00010; gnomAD 0.00013; 1000 Genomes Project 30x 0.00016; 1000 Genomes Project 0.00020.
gnomAD v4.1: 163 of 1,614,162 alleles (0.01%); highest among the groups gnomAD compares: South Asian, 0.013%; no homozygotes.

Submissions (2):

Ambry Genetics
Classification: Uncertain significance for Inborn genetic diseases. Last evaluated: 2025-09-01. Review status: criteria provided, single submitter. Criteria: Ambry Variant Classification Scheme 2023. Collection method: clinical testing. Allele origin: germline.

PreventionGenetics, part of Exact Sciences
Classification: Uncertain significance for OSMR-related condition. Last evaluated: 2022-11-03. Review status: criteria provided, single submitter. Criteria: ACMG Guidelines, 2015. Collection method: clinical testing. Allele origin: germline.
Comment: The OSMR c.2420T>C variant is predicted to result in the amino acid substitution p.Ile807Thr. To our knowledge, this variant has not been reported in the literature. This variant is reported in 0.012% of alleles in individuals of African descent in gnomAD. Although we suspect that this variant may be benign, at this time, the clinical significance of this variant is uncertain due to the absence of conclusive functional and genetic evidence.